The following is an entry in ClinVar:

ClinVar aggregate classification (germline): Uncertain significance. Review status: criteria provided, multiple submitters, no conflicts (2 of 4 stars). 2 submissions from 2 submitters: Uncertain significance (2). Last evaluated 2024-06-04.

Conditions:
Inborn genetic diseases. Identifiers: MedGen C0950123, MeSH D030342.

Allele frequency attached by ClinVar (database versions not stated): TOPMed 0.00001; ESP Exome Variant Server 0.00008.

Submissions (2):

Ambry Genetics
Classification: Uncertain significance for Inborn genetic diseases. Last evaluated: 2024-06-04. Review status: criteria provided, single submitter. Criteria: Ambry Variant Classification Scheme 2023. Collection method: clinical testing. Allele origin: germline.

Labcorp Genetics (formerly Invitae), Labcorp
Classification: Uncertain significance. Last evaluated: 2022-07-19. Review status: criteria provided, single submitter. Criteria: Invitae Variant Classification Sherloc (09022015). Collection method: clinical testing. Allele origin: germline.
Comment: This sequence change replaces aspartic acid, which is acidic and polar, with glycine, which is neutral and non-polar, at codon 438 of the PLAA protein (p.Asp438Gly). This variant is not present in population databases (gnomAD no frequency). This variant has not been reported in the literature in individuals affected with PLAA-related conditions. ClinVar contains an entry for this variant (Variation ID: 1482271). Algorithms developed to predict the effect of missense changes on protein structure and function (SIFT, PolyPhen-2, Align-GVGD) all suggest that this variant is likely to be tolerated. Algorithms developed to predict the effect of sequence changes on RNA splicing suggest that this variant may create or strengthen a splice site. In summary, the available evidence is currently insufficient to determine the role of this variant in disease. Therefore, it has been classified as a Variant of Uncertain Significance.

NM_001031689.3(PLAA):c.1313A>G (p.Asp438Gly)

Gene: PLAA (phospholipase A2 activating protein; minus strand). Cytogenetic location: 9p21.2.
Variant type: single nucleotide variant.
Coding change: c.1313A>G on transcript NM_001031689.3 (MANE Select); coding-DNA position 1313, A replaced by G.
Protein change: p.Asp438Gly; replaces aspartic acid 438 with glycine.
Molecular consequence: missense variant.
Genome position (GRCh38, 1-based): chr9:26,919,414, T>C on the plus strand (A>G on the coding strand, the complement: PLAA is on the minus strand). VCF-style: chr9-26919414-T-C. GRCh37 (hg19) VCF-style: chr9-26919412-T-C.
Other names: c.1313A>G, p.Asp438Gly (NM_001321546.2); c.1313A>G (NM_001031689.2); short protein forms D438G.
Identifiers: ClinVar variation 1482271 (VCV001482271.9), dbSNP rs147966876, ClinGen allele CA191306836.